The following is an entry in ClinVar:

ClinVar aggregate classification (germline): Likely benign. Review status: criteria provided, multiple submitters, no conflicts (2 of 4 stars). 2 submissions from 2 submitters: Likely benign (2). Last evaluated 2025-12-24.

Conditions:
Muscular dystrophy-dystroglycanopathy (congenital with brain and eye anomalies), type A2. Also called: MUSCULAR DYSTROPHY-DYSTROGLYCANOPATHY (CONGENITAL WITH BRAIN AND EYE ANOMALIES), TYPE A, 2; WALKER-WARBURG SYNDROME OR MUSCLE-EYE-BRAIN DISEASE, POMT2-RELATED. Identifiers: Orphanet 588, Orphanet 899, MedGen C3150411, MONDO:0013154, OMIM 613150.
Muscular dystrophy-dystroglycanopathy (congenital with impaired intellectual development), type B, 2. Also called: Muscular dystrophy-dystroglycanopathy (congenital with intellectual disability), type B2; MUSCULAR DYSTROPHY, CONGENITAL, POMT2-RELATED. Identifiers: MedGen C3150416, MONDO:0013160, OMIM 613156.
Autosomal recessive limb-girdle muscular dystrophy type 2N. Also called: Muscular dystrophy-dystroglycanopathy (limb-girdle), type C, 2; MUSCULAR DYSTROPHY-DYSTROGLYCANOPATHY, LIMB-GIRDLE, POMT2-RELATED. Identifiers: Orphanet 206559, MedGen C3150418, MONDO:0013162, OMIM 613158.

Allele frequency attached by ClinVar (database versions not stated): TOPMed 0.00002; gnomAD 0.00005 and 0.00006; ExAC 0.00002; gnomAD exomes below 0.00001 and 0.00001.
gnomAD v4.1: 15 of 1,614,010 alleles (0.00093%); highest among the groups gnomAD compares: African/African-American, 0.02%; no homozygotes.

Submissions (2):

Labcorp Genetics (formerly Invitae), Labcorp
Classification: Likely benign for Muscular dystrophy-dystroglycanopathy (congenital with impaired intellectual development), type B, 2; Muscular dystrophy-dystroglycanopathy (congenital with brain and eye anomalies), type A2; Autosomal recessive limb-girdle muscular dystrophy type 2N. Last evaluated: 2025-12-24. Review status: criteria provided, single submitter. Criteria: Invitae Variant Classification Sherloc (09022015). Collection method: clinical testing. Allele origin: germline.

GeneDx
Classification: Likely benign. Last evaluated: 2018-03-01. Review status: criteria provided, single submitter. Criteria: GeneDx Variant Classification (06012015). Collection method: clinical testing. Allele origin: germline. Affected: yes.
Comment: This variant is considered likely benign or benign based on one or more of the following criteria: it is a conservative change, it occurs at a poorly conserved position in the protein, it is predicted to be benign by multiple in silico algorithms, and/or has population frequency not consistent with disease.

NM_013382.7(POMT2):c.1484+17T>C

Gene: POMT2 (protein O-mannosyltransferase 2; minus strand). Cytogenetic location: 14q24.3.
Variant type: single nucleotide variant.
Coding change: c.1484+17T>C on transcript NM_013382.7 (MANE Select); 17 bases into the intron after coding-DNA position 1484, T replaced by C.
Molecular consequence: intron variant.
Genome position (GRCh38, 1-based): chr14:77,285,464, A>G on the plus strand (T>C on the coding strand, the complement: POMT2 is on the minus strand). VCF-style: chr14-77285464-A-G. GRCh37 (hg19) VCF-style: chr14-77751807-A-G.
Identifiers: ClinVar variation 515857 (VCV000515857.6), dbSNP rs769039137, ClinGen allele CA7285843.
Genomic context (GRCh38, chr14:77,285,464, plus strand): 5'-AGCTTCTGGCATACTCCTTGTAGAGTGAAAGGAAAATCAGGACCCTCGATTGGGACAGCA[A>G]AACCCTAGAGACTTACCACTTGGGCAGAACCTTTCCCGAGGAGCCCAGGACACAACCTGT-3'